The following is an entry in ClinVar:

ClinVar aggregate classification (germline): Benign/Likely benign. Review status: criteria provided, multiple submitters, no conflicts (2 of 4 stars). 3 submissions from 3 submitters: Benign (1); Likely benign (1). 1 of the submissions does not count toward it. Last evaluated 2026-01-17.

Conditions:
PLVAP-related disorder. Also called: PLVAP-related condition.

Allele frequency attached by ClinVar (database versions not stated): 1000 Genomes Project 30x 0.00016; 1000 Genomes Project 0.00020; ESP Exome Variant Server 0.00069.
gnomAD v4.1: 2,085 of 1,614,144 alleles (0.13%); highest among the groups gnomAD compares: South Asian, 0.15%; 6 homozygotes.

Submissions (3):

Labcorp Genetics (formerly Invitae), Labcorp
Classification: Benign. Last evaluated: 2026-01-17. Review status: criteria provided, single submitter. Criteria: Invitae Variant Classification Sherloc (09022015). Collection method: clinical testing. Allele origin: germline.

Blueprint Genetics
Classification: Likely benign. Last evaluated: 2024-09-25. Review status: criteria provided, single submitter. Criteria: ACMG Guidelines, 2015. Collection method: clinical testing. Allele origin: germline.

PreventionGenetics, part of Exact Sciences
Classification: Likely benign for PLVAP-related condition. Last evaluated: 2019-04-08. Review status: no assertion criteria provided. Collection method: clinical testing. Allele origin: germline. Not counted in ClinVar's aggregate classification.
Comment: This variant is classified as likely benign based on ACMG/AMP sequence variant interpretation guidelines (Richards et al. 2015 PMID: 25741868, with internal and published modifications).

NM_031310.3(PLVAP):c.159C>T (p.His53=)

Gene: PLVAP (plasmalemma vesicle associated protein; minus strand). Cytogenetic location: 19p13.11.
Variant type: single nucleotide variant.
Coding change: c.159C>T on transcript NM_031310.3 (MANE Select); coding-DNA position 159, C replaced by T.
Protein change: p.His53=; no amino-acid change (histidine 53 retained).
Molecular consequence: synonymous variant.
Genome position (GRCh38, 1-based): chr19:17,377,130, G>A on the plus strand (C>T on the coding strand, the complement: PLVAP is on the minus strand). VCF-style: chr19-17377130-G-A. GRCh37 (hg19) VCF-style: chr19-17487939-G-A.
Other names: c.159C>T (NM_031310.2).
Identifiers: ClinVar variation 2047535 (VCV002047535.7), dbSNP rs142410285, ClinGen allele CA9294131.